The following is an entry in ClinVar:

NM_004360.5(CDH1):c.1566-3C>G

Gene: CDH1 (cadherin 1; plus strand). Cytogenetic location: 16q22.1.
Variant type: single nucleotide variant.
Coding change: c.1566-3C>G on transcript NM_004360.5 (MANE Select); 3 bases into the intron before coding-DNA position 1566, C replaced by G.
Molecular consequence: intron variant.
Genome position (GRCh38, 1-based): chr16:68,819,277, C>G. VCF-style: chr16-68819277-C-G. GRCh37 (hg19) VCF-style: chr16-68853180-C-G.
Other names: c.18-3C>G (NM_001317185.2); c.-254-2724C>G (NM_001317186.2); c.1383-3C>G (NM_001317184.2); c.1566-3C>G (NM_004360.3).
Identifiers: ClinVar variation 1317239 (VCV001317239.8), dbSNP rs113057579, ClinGen allele CA2573054267.

ClinVar aggregate classification (germline): Uncertain significance. Review status: criteria provided, multiple submitters, no conflicts (2 of 4 stars). 3 submissions from 3 submitters: Uncertain significance (3). Last evaluated 2026-03-30.

Conditions:
Hereditary cancer-predisposing syndrome. Also called: Neoplastic Syndromes, Hereditary; Tumor predisposition; Hereditary Cancer Syndrome; Hereditary neoplastic syndrome. Identifiers: Orphanet 140162, MedGen C0027672, MeSH D009386, MONDO:0015356.
Hereditary diffuse gastric adenocarcinoma (HDGC). Also called: DIFFUSE GASTRIC AND LOBULAR BREAST CANCER SYNDROME. Identifiers: Orphanet 26106, MedGen C1708349, MONDO:0007648, OMIM 137215.

Submissions (3):

Ambry Genetics
Classification: Uncertain significance for Hereditary cancer-predisposing syndrome. Last evaluated: 2026-03-30. Review status: criteria provided, single submitter. Criteria: Ambry Variant Classification Scheme 2023. Collection method: clinical testing. Allele origin: germline.
Comment: The c.1566-3C>G intronic variant results from a C to G substitution 3 nucleotides upstream from coding exon 11 in the CDH1 gene. This nucleotide position is well conserved in available vertebrate species. In silico splice site analysis predicts that this alteration will weaken the native splice acceptor site and will result in the creation or strengthening of a novel splice acceptor site; however, direct evidence is insufficient at this time (Ambry internal data). Based on the available evidence, the clinical significance of this variant remains unclear.

Labcorp Genetics (formerly Invitae), Labcorp
Classification: Uncertain significance for Hereditary diffuse gastric adenocarcinoma. Last evaluated: 2020-12-10. Review status: criteria provided, single submitter. Criteria: Invitae Variant Classification Sherloc (09022015). Collection method: clinical testing. Allele origin: germline.
Comment: This variant is not present in population databases (ExAC no frequency). This sequence change falls in intron 10 of the CDH1 gene. It does not directly change the encoded amino acid sequence of the CDH1 protein. It affects a nucleotide within the consensus splice site of the intron. This variant has not been reported in the literature in individuals with CDH1-related conditions. In summary, the available evidence is currently insufficient to determine the role of this variant in disease. Therefore, it has been classified as a Variant of Uncertain Significance. Nucleotide substitutions within the consensus splice site are a relatively common cause of aberrant splicing (PMID: 17576681, 9536098). Algorithms developed to predict the effect of sequence changes on RNA splicing suggest that this variant may disrupt the consensus splice site, but this prediction has not been confirmed by published transcriptional studies.

GeneDx
Classification: Uncertain significance. Last evaluated: 2019-06-25. Review status: criteria provided, single submitter. Criteria: GeneDx Variant Classification Process June 2021. Collection method: clinical testing. Allele origin: germline. Affected: yes.
Comment: Not observed in large population cohorts (Lek 2016); In silico analysis, which includes splice predictors and evolutionary conservation, supports a deleterious effect; Has not been previously published as pathogenic or benign to our knowledge

Literature cited by the submitters: PubMed 17576681 (cited by Labcorp Genetics (formerly Invitae), Labcorp); PubMed 9536098 (cited by Labcorp Genetics (formerly Invitae), Labcorp).